The following is an entry in ClinVar:

ClinVar aggregate classification (germline): Conflicting classifications of pathogenicity. Review status: criteria provided, conflicting classifications (1 of 4 stars). 4 submissions from 4 submitters: Uncertain significance (1); Likely benign (1). 2 of the submissions do not count toward it. Last evaluated 2025-09-19.

Conditions:
Usher syndrome type 1 (USH1). Also called: RETINITIS PIGMENTOSA AND CONGENITAL DEAFNESS. Identifiers: Orphanet 231169, Orphanet 886, MedGen C1568247, MONDO:0010168, OMIM 276900.
CDH23-related disorder. Also called: CDH23-related disorders; CDH23-related condition.

Allele frequency attached by ClinVar (database versions not stated): ExAC 0.00001; gnomAD 0.00001 and 0.00002; gnomAD exomes 0.00001; TOPMed 0.00002.
gnomAD v4.1: 10 of 1,614,000 alleles (0.00062%); highest among the groups gnomAD compares: East Asian, 0.0089%; no homozygotes.

Submissions (4):

Labcorp Genetics (formerly Invitae), Labcorp
Classification: Likely benign. Last evaluated: 2025-09-19. Review status: criteria provided, single submitter. Criteria: Invitae Variant Classification Sherloc (09022015). Collection method: clinical testing. Allele origin: germline.

Blueprint Genetics
Classification: Uncertain significance. Last evaluated: 2021-12-07. Review status: criteria provided, single submitter. Criteria: ACMG Guidelines, 2015. Collection method: clinical testing. Allele origin: germline.

Natera, Inc.
Classification: Uncertain significance for Usher syndrome type 1. Last evaluated: 2020-04-17. Review status: no assertion criteria provided. Collection method: clinical testing. Allele origin: germline. Not counted in ClinVar's aggregate classification.

PreventionGenetics, part of Exact Sciences
Classification: Likely benign for CDH23-related condition. Last evaluated: 2019-10-15. Review status: no assertion criteria provided. Collection method: clinical testing. Allele origin: germline. Not counted in ClinVar's aggregate classification.
Comment: This variant is classified as likely benign based on ACMG/AMP sequence variant interpretation guidelines (Richards et al. 2015 PMID: 25741868, with internal and published modifications).

NM_022124.6(CDH23):c.8406C>T (p.Ile2802=)

Gene: CDH23 (cadherin related 23; plus strand). Cytogenetic location: 10q22.1.
Variant type: single nucleotide variant.
Coding change: c.8406C>T on transcript NM_022124.6 (MANE Select); coding-DNA position 8406, C replaced by T.
Protein change: p.Ile2802=; no amino-acid change (isoleucine 2802 retained).
Molecular consequence: synonymous variant.
Genome position (GRCh38, 1-based): chr10:71,807,613, C>T. VCF-style: chr10-71807613-C-T. GRCh37 (hg19) VCF-style: chr10-73567370-C-T.
Other names: c.1686C>T, p.Ile562= (NM_001171933.1, NM_001171934.1).
Identifiers: ClinVar variation 725861 (VCV000725861.14), dbSNP rs752125151, ClinGen allele CA5546646.